The following is an entry in ClinVar:

ClinVar aggregate classification (germline): Pathogenic/Likely pathogenic. Review status: criteria provided, multiple submitters, no conflicts (2 of 4 stars). 3 submissions from 3 submitters: Pathogenic (2); Likely pathogenic (1). Last evaluated 2026-05-10.

Conditions:
COL4A3-related disorder. Also called: COL4A3-related condition; COL4A3-Related Disorders.
Alport syndrome 3b, autosomal recessive. Identifiers: MedGen C5882699, MONDO:0957811, OMIM 620536.
Hematuria, benign familial, 2 (BFH2). Identifiers: MedGen C5830421, MONDO:0958186, OMIM 620320.
Autosomal dominant Alport syndrome (ATS3A). Also called: ALPORT SYNDROME 3A, AUTOSOMAL DOMINANT; Alport syndrome dominant type; Renal failure and sensorineural hearing loss. Identifiers: Orphanet 63, Orphanet 88918, MedGen C5882663, MONDO:0007086, OMIM 104200.

Submissions (3):

PreventionGenetics, part of Exact Sciences
Classification: Pathogenic for COL4A3-related condition. Last evaluated: 2026-05-10. Review status: criteria provided, single submitter. Criteria: ACMG Guidelines, 2015. Collection method: clinical testing. Allele origin: germline.
Comment: The COL4A3 c.3671delC variant is predicted to result in a frameshift and premature protein termination (p.Pro1224Glnfs*40). To our knowledge, this variant has not been reported in the literature or in a large population database (gnomAD), indicating this variant is rare. Frameshift variants in COL4A3 are expected to be pathogenic. This variant is interpreted as pathogenic for both autosomal dominant and recessive COL4A3-related Alport syndrome spectrum disorders.

Labcorp Genetics (formerly Invitae), Labcorp
Classification: Pathogenic. Last evaluated: 2024-05-02. Review status: criteria provided, single submitter. Criteria: Invitae Variant Classification Sherloc (09022015). Collection method: clinical testing. Allele origin: germline.
Comment: This sequence change creates a premature translational stop signal (p.Pro1224Glnfs*40) in the COL4A3 gene. It is expected to result in an absent or disrupted protein product. Loss-of-function variants in COL4A3 are known to be pathogenic (PMID: 8956999, 24854265, 26809805, 27281700). This variant is not present in population databases (gnomAD no frequency). This variant has not been reported in the literature in individuals affected with COL4A3-related conditions. ClinVar contains an entry for this variant (Variation ID: 651092). For these reasons, this variant has been classified as Pathogenic.

Fulgent Genetics
Classification: Likely pathogenic for Autosomal dominant Alport syndrome; Hematuria, benign familial, 2; Alport syndrome 3b, autosomal recessive. Last evaluated: 2024-02-16. Review status: criteria provided, single submitter. Criteria: ACMG Guidelines, 2015. Collection method: clinical testing. Allele origin: germline.

Literature cited by the submitters: PubMed 8956999 (cited by Labcorp Genetics (formerly Invitae), Labcorp); PubMed 24854265 (cited by Labcorp Genetics (formerly Invitae), Labcorp); PubMed 26809805 (cited by Labcorp Genetics (formerly Invitae), Labcorp); PubMed 27281700 (cited by Labcorp Genetics (formerly Invitae), Labcorp).

NM_000091.5(COL4A3):c.3671del (p.Pro1224fs)

Genes: COL4A3 (collagen type IV alpha 3 chain; plus strand), MFF-DT (MFF divergent transcript; minus strand). Cytogenetic location: 2q36.3.
Variant type: Deletion.
Coding change: c.3671del on transcript NM_000091.5 (MANE Select); coding-DNA position 3671, one base deleted (C; older notation c.3671delC).
Protein change: p.Pro1224fs; shifts the reading frame from proline 1224.
Molecular consequence: frameshift variant.
Genome position (GRCh38, 1-based): chr2:227,297,779, C deleted; the last of 3 consecutive C bases (chr2:227,297,777-227,297,779); deleting any one gives the same sequence. VCF-style (leftmost placement, unchanged base first): chr2-227297776-TC-T. GRCh37 (hg19) VCF-style: chr2-228162492-TC-T.
Other names: c.3671delC (NM_000091.4); short protein forms P1224fs.
Identifiers: ClinVar variation 651092 (VCV000651092.8), dbSNP rs764376138, ClinGen allele CA2147321.